The following is an entry in ClinVar:

ClinVar aggregate classification (germline): Uncertain significance. Review status: criteria provided, multiple submitters, no conflicts (2 of 4 stars). 2 submissions from 2 submitters: Uncertain significance (2). Last evaluated 2023-03-21.

Conditions:
Wilms tumor 1 (WT1). Also called: Wilms tumor, somatic. Identifiers: Orphanet 654, MedGen CN033288, MONDO:0008679, OMIM 194070.

Allele frequency attached by ClinVar (database versions not stated): gnomAD 0.00007; gnomAD exomes 0.00011; ExAC 0.00023.

Submissions (2):

Ambry Genetics
Classification: Uncertain significance. Last evaluated: 2023-03-21. Review status: criteria provided, single submitter. Criteria: Ambry Variant Classification Scheme 2023. Collection method: clinical testing. Allele origin: germline.

St. Jude Molecular Pathology, St. Jude Children's Research Hospital
Classification: Uncertain significance for Wilms tumor 1. Last evaluated: 2022-09-20. Review status: criteria provided, single submitter. Criteria: St. Jude Assertion Criteria 2020. Collection method: clinical testing. Allele origin: germline.
Comment: The TRIM28 c.2394G>T (p.Glu798Asp) missense change has a maximum subpopulation frequency of 0.025% in gnomAD v2.1.1. The in silico tool REVEL predicts a benign effect on protein function, but to our knowledge this prediction has not been confirmed by functional studies. To our knowledge, this variant has not been reported in individuals with a personal or family history of Wilms tumor. In summary, the evidence currently available is insufficient to determine the clinical significance of this variant. It has therefore been classified as of uncertain significance.

NM_005762.3(TRIM28):c.2394G>T (p.Glu798Asp)

Gene: TRIM28 (tripartite motif containing 28; plus strand). Cytogenetic location: 19q13.43.
Variant type: single nucleotide variant.
Coding change: c.2394G>T on transcript NM_005762.3 (MANE Select); coding-DNA position 2394, G replaced by T.
Protein change: p.Glu798Asp; replaces glutamic acid 798 with aspartic acid.
Molecular consequence: missense variant.
Genome position (GRCh38, 1-based): chr19:58,550,439, G>T. VCF-style: chr19-58550439-G-T. GRCh37 (hg19) VCF-style: chr19-59061806-G-T.
Other names: short protein forms E798D.
Identifiers: ClinVar variation 1710941 (VCV001710941.3), dbSNP rs142673950, ClinGen allele CA9719597.